The following is an entry in ClinVar:

NM_000038.6(APC):c.619T>C (p.Cys207Arg)

Gene: APC (APC regulator of Wnt signaling pathway; plus strand). Cytogenetic location: 5q22.2.
Variant type: single nucleotide variant.
Coding change: c.619T>C on transcript NM_000038.6 (MANE Select); coding-DNA position 619, T replaced by C.
Protein change: p.Cys207Arg; replaces cysteine 207 with arginine.
Molecular consequence: missense variant. On other transcripts: 5 prime UTR variant (4), non-coding transcript variant (2).
Genome position (GRCh38, 1-based): chr5:112,780,877, T>C. VCF-style: chr5-112780877-T-C. GRCh37 (hg19) VCF-style: chr5-112116574-T-C.
Other names: c.619T>C, p.Cys207Arg (NM_001127510.3, NM_001354895.2, NM_001354896.2 and 16 more transcripts); c.649T>C, p.Cys217Arg (NM_001127511.3, NM_001354897.2, NM_001354902.2 and 1 more transcripts); c.544T>C, p.Cys182Arg (NM_001354898.2, NM_001354904.2, NM_001407451.1); c.442T>C, p.Cys148Arg (NM_001354900.2, NM_001354901.2, NM_001354905.2 and 1 more transcripts); c.-417T>C (NM_001354906.2, NM_001407470.1, NM_001407471.1 and 1 more transcripts); short protein forms C182R, C217R, C148R, C207R.
Identifiers: ClinVar variation 2774132 (VCV002774132.2), dbSNP rs2532489620, ClinGen allele CA16022691.

ClinVar aggregate classification (germline): Uncertain significance (1 of 4 stars; one submission).

Conditions:
Hereditary cancer-predisposing syndrome. Also called: Hereditary neoplastic syndrome; Hereditary Cancer Syndrome; Neoplastic Syndromes, Hereditary; Tumor predisposition. Identifiers: Orphanet 140162, MedGen C0027672, MeSH D009386, MONDO:0015356.

Submission:

Color Diagnostics, LLC DBA Color Health
Classification: Uncertain significance for Hereditary cancer-predisposing syndrome. Last evaluated: 2023-11-20. Review status: criteria provided, single submitter. Criteria: ACMG Guidelines, 2015. Collection method: clinical testing. Allele origin: germline.
Comment: This missense variant replaces cysteine with arginine at codon 207 of the APC protein. Computational prediction is inconclusive regarding the impact of this variant on protein structure and function (internally defined REVEL score threshold 0.5 < inconclusive < 0.7, PMID: 27666373). To our knowledge, functional studies have not been reported for this variant. This variant has not been reported in individuals affected with APC-related disorders in the literature. This variant has not been identified in the general population by the Genome Aggregation Database (gnomAD). The available evidence is insufficient to determine the role of this variant in disease conclusively. Therefore, this variant is classified as a Variant of Uncertain Significance.